The following is an entry in ClinVar:

ClinVar aggregate classification (germline): Uncertain significance (1 of 4 stars; one submission).

Conditions:
Cardiovascular phenotype. Identifiers: MedGen CN230736.

gnomAD v4.1: 6 of 1,573,304 alleles (0.00038%); highest among the groups gnomAD compares: Non-Finnish European, 0.00052%; no homozygotes.

Submission:

Ambry Genetics
Classification: Uncertain significance for Cardiovascular phenotype. Last evaluated: 2024-07-17. Review status: criteria provided, single submitter. Criteria: Ambry Variant Classification Scheme 2023. Collection method: clinical testing. Allele origin: germline.
Comment: The p.K3444E variant (also known as c.10330A>G), located in coding exon 30 of the TNXB gene, results from an A to G substitution at nucleotide position 10330. The lysine at codon 3444 is replaced by glutamic acid, an amino acid with similar properties. This amino acid position is conserved. In addition, this alteration is predicted to be tolerated by in silico analysis. Based on the available evidence, the clinical significance of this variant remains unclear.

NM_001365276.2(TNXB):c.10336A>G (p.Lys3446Glu)

Gene: TNXB (tenascin XB; minus strand). Cytogenetic location: 6p21.33.
Variant type: single nucleotide variant.
Coding change: c.10336A>G on transcript NM_001365276.2 (MANE Select); coding-DNA position 10336, A replaced by G.
Protein change: p.Lys3446Glu; replaces lysine 3446 with glutamic acid.
Molecular consequence: missense variant.
Genome position (GRCh38, 1-based): chr6:32,046,445, T>C on the plus strand (A>G on the coding strand, the complement: TNXB is on the minus strand). VCF-style: chr6-32046445-T-C. GRCh37 (hg19) VCF-style: chr6-32014222-T-C.
Other names: c.11077A>G, p.Lys3693Glu (NM_001428335.1); c.10330A>G, p.Lys3444Glu (NM_019105.8); short protein forms K3446E, K3693E, K3444E.
Identifiers: ClinVar variation 3459756 (VCV003459756.1).